The following is an entry in ClinVar:

ClinVar aggregate classification (germline): Likely pathogenic (1 of 4 stars; one submission).

Conditions:
Dilated cardiomyopathy 1G (CMD1G). Identifiers: Orphanet 154, MedGen C1858763, MONDO:0011400, OMIM 604145.
Autosomal recessive limb-girdle muscular dystrophy type 2J (LGMDR10). Also called: Limb-girdle muscular dystrophy, type 2J; MUSCULAR DYSTROPHY, LIMB-GIRDLE, AUTOSOMAL RECESSIVE 10. Identifiers: Orphanet 140922, MedGen C1837342, MONDO:0012127, OMIM 608807.

Submission:

Labcorp Genetics (formerly Invitae), Labcorp
Classification: Likely pathogenic for Dilated cardiomyopathy 1G; Autosomal recessive limb-girdle muscular dystrophy type 2J. Last evaluated: 2024-04-07. Review status: criteria provided, single submitter. Criteria: Invitae Variant Classification Sherloc (09022015). Collection method: clinical testing. Allele origin: germline.
Comment: This sequence change creates a premature translational stop signal (p.Gln33679*) in the TTN gene. While this is not anticipated to result in nonsense mediated decay, it is expected to create a truncated TTN protein. This variant is not present in population databases (gnomAD no frequency). This premature translational stop signal has been observed in individual(s) with dilated cardiomyopathy (Invitae). ClinVar contains an entry for this variant (Variation ID: 1486866). This variant is located in the M band of TTN (PMID: 25589632). Truncating variants in this region have been previously reported in individuals affected with autosomal recessive myopathy and muscular dystrophy (PMID: 18948003, 23975875, 24395473). Truncating variants in this region have also been identified in individuals affected with autosomal dominant dilated cardiomyopathy and/or cardio-related conditions (PMID: 27869827, 32964742, Invitae internal data). In summary, the currently available evidence indicates that the variant is pathogenic, but additional data are needed to prove that conclusively. Therefore, this variant has been classified as Likely Pathogenic.

Literature cited by the submitters: PubMed 25589632; PubMed 18948003; PubMed 23975875; PubMed 24395473; PubMed 27869827; PubMed 32964742.

NM_001267550.2(TTN):c.101035C>T (p.Gln33679Ter)

Genes: TTN-AS1 (TTN antisense RNA 1; plus strand), TTN (titin; minus strand). Cytogenetic location: 2q31.2.
Variant type: single nucleotide variant.
Coding change: c.101035C>T on transcript NM_001267550.2 (MANE Select); coding-DNA position 101035, C replaced by T.
Protein change: p.Gln33679Ter; replaces glutamine 33679 with a stop codon.
Molecular consequence: nonsense.
Genome position (GRCh38, 1-based): chr2:178,535,580, G>A on the plus strand (C>T on the coding strand, the complement: TTN is on the minus strand). VCF-style: chr2-178535580-G-A. GRCh37 (hg19) VCF-style: chr2-179400307-G-A.
Other names: c.96112C>T, p.Gln32038Ter (NM_001256850.1); c.73840C>T, p.Gln24614Ter (NM_003319.4); c.93331C>T, p.Gln31111Ter (NM_133378.4); c.74215C>T, p.Gln24739Ter (NM_133432.3); c.74416C>T, p.Gln24806Ter (NM_133437.4); short protein forms Q24739*, Q31111*, Q33679*, Q24614*, Q24806*, Q32038*.
Identifiers: ClinVar variation 1486866 (VCV001486866.6), dbSNP rs561471402, ClinGen allele CA349421957.